The following is an entry in ClinVar:

NM_144499.3(GNAT1):c.579-2A>G

Gene: GNAT1 (G protein subunit alpha transducin 1; plus strand). Cytogenetic location: 3p21.31.
Variant type: single nucleotide variant.
Coding change: c.579-2A>G on transcript NM_144499.3 (MANE Select); the canonical splice acceptor site of the intron before coding-DNA position 579, A replaced by G.
Molecular consequence: splice acceptor variant.
Genome position (GRCh38, 1-based): chr3:50,194,090, A>G. VCF-style: chr3-50194090-A-G. GRCh37 (hg19) VCF-style: chr3-50231523-A-G.
Other names: c.579-2A>G (NM_000172.4).
Identifiers: ClinVar variation 5019075 (VCV005019075.2).
Genomic context (GRCh38, chr3:50,194,090, plus strand): 5'-AGGGCGAAGGGATGTTGCCTGTGGGGCCCGGGGCGCAGGTTCAGGCCCCCGCGGCCCCGC[A>G]GGATGTTCGATGTGGGCGGGCAGCGCTCGGAGCGCAAGAAGTGGATCCACTGCTTCGAGG-3'

ClinVar aggregate classification (germline): Likely pathogenic (1 of 4 stars; one submission).

Conditions:
Congenital stationary night blindness autosomal dominant 3. Also called: NIGHT BLINDNESS, CONGENITAL STATIONARY, NOUGARET TYPE. Identifiers: Orphanet 215, MedGen C1864870, MONDO:0012497, OMIM 610444.
Congenital stationary night blindness 1G. Identifiers: Orphanet 215, MedGen C4225345, MONDO:0014614, OMIM 616389.

Submission:

Juno Genomics, Hangzhou Juno Genomics, Inc
Classification: Likely pathogenic for Congenital stationary night blindness autosomal dominant 3; Congenital stationary night blindness 1G. Review status: criteria provided, single submitter. Criteria: ACMG Guidelines, 2015. Collection method: clinical testing. Allele origin: germline.
Comment: Absent from controls (or at extremely low frequency if recessive) in Genome Aggregation Database.;Null variant in a gene where loss of function (LOF) is a known mechanism of disease.